The following is an entry in ClinVar:

NM_020433.5(JPH2):c.1135A>G (p.Ile379Val)

Gene: JPH2 (junctophilin 2; minus strand). Cytogenetic location: 20q13.12.
Variant type: single nucleotide variant.
Coding change: c.1135A>G on transcript NM_020433.5 (MANE Select); coding-DNA position 1135, A replaced by G.
Protein change: p.Ile379Val; replaces isoleucine 379 with valine.
Molecular consequence: missense variant.
Genome position (GRCh38, 1-based): chr20:44,159,652, T>C on the plus strand (A>G on the coding strand, the complement: JPH2 is on the minus strand). VCF-style: chr20-44159652-T-C. GRCh37 (hg19) VCF-style: chr20-42788292-T-C.
Other names: short protein forms I379V.
Identifiers: ClinVar variation 3698386 (VCV003698386.2).
Genomic context (GRCh38, chr20:44,159,652, plus strand): 5'-CCTTCCCACCCCCACCGCTGTCCTACCTGGAGGCGGCAATCTCGGCCTTCTGGCGCGCGA[T>C]AGCAGCGGCGCGCTGGGCACCCTCCACACTGTGCTCCACTTTCTGGCGGACCTTGTTGCT-3'
Protein context (NP_065166.2, residues 369-389): SVEGAQRAAA[Ile379Val]ARQKAEIAAS

ClinVar aggregate classification (germline): Uncertain significance (1 of 4 stars; one submission).

Conditions:
Hypertrophic cardiomyopathy. Also called: HYPERTROPHIC MYOCARDIOPATHY. Identifiers: Orphanet 217569, MedGen C0007194, MeSH D002312, MONDO:0005045, HP:0001639.

gnomAD v4.1: 18 of 1,608,536 alleles (0.0011%); highest among the groups gnomAD compares: East Asian, 0.038%; no homozygotes.

Submission:

Labcorp Genetics (formerly Invitae), Labcorp
Classification: Uncertain significance for Hypertrophic cardiomyopathy. Last evaluated: 2024-11-04. Review status: criteria provided, single submitter. Criteria: Invitae Variant Classification Sherloc (09022015). Collection method: clinical testing. Allele origin: germline.
Comment: This sequence change replaces isoleucine, which is neutral and non-polar, with valine, which is neutral and non-polar, at codon 379 of the JPH2 protein (p.Ile379Val). This variant is present in population databases (rs572123512, gnomAD 0.05%). This variant has not been reported in the literature in individuals affected with JPH2-related conditions. An algorithm developed to predict the effect of missense changes on protein structure and function (PolyPhen-2) suggests that this variant is likely to be disruptive. In summary, the available evidence is currently insufficient to determine the role of this variant in disease. Therefore, it has been classified as a Variant of Uncertain Significance.